The following is an entry in ClinVar:

ClinVar aggregate classification (germline): Pathogenic (1 of 4 stars; one submission).

Conditions:
Cardiovascular phenotype. Identifiers: MedGen CN230736.

Submission:

Ambry Genetics
Classification: Pathogenic for Cardiovascular phenotype. Last evaluated: 2023-08-01. Review status: criteria provided, single submitter. Criteria: Ambry Variant Classification Scheme 2023. Collection method: clinical testing. Allele origin: germline.
Comment: The c.138_159del22 pathogenic mutation, located in coding exon 1 of the BAG3 gene, results from a deletion of 22 nucleotides at nucleotide positions 138 to 159, causing a translational frameshift with a predicted alternate stop codon (p.T47Cfs*157). This variant is considered to be rare based on population cohorts in the Genome Aggregation Database (gnomAD). This alteration is expected to result in loss of function by premature protein truncation or nonsense-mediated mRNA decay. As such, this alteration is interpreted as a disease-causing mutation.

NM_004281.4(BAG3):c.138_159del (p.Thr47fs)

Gene: BAG3 (BAG cochaperone 3; plus strand). Cytogenetic location: 10q26.11.
Variant type: Deletion.
Coding change: c.138_159del on transcript NM_004281.4 (MANE Select); coding-DNA positions 138 to 159, 22 bases deleted (CACTACGTGGAACGACCCGCGC).
Protein change: p.Thr47fs; shifts the reading frame from threonine 47.
Molecular consequence: frameshift variant.
Genome position (GRCh38, 1-based): chr10:119,651,813-119,651,834, CACTACGTGGAACGACCCGCGC deleted; deleting any 22 consecutive bases within chr10:119,651,812-119,651,834 gives the same sequence; the c. name uses the placement nearest the transcript's 3' end. VCF-style (leftmost placement, unchanged base first): chr10-119651811-ACCACTACGTGGAACGACCCGCG-A. GRCh37 (hg19) VCF-style: chr10-121411323-ACCACTACGTGGAACGACCCGCG-A.
Other names: short protein forms T47fs.
Identifiers: ClinVar variation 2587228 (VCV002587228.2), dbSNP rs2493980073, ClinGen allele CA2582341852.